The following is an entry in ClinVar:

ClinVar aggregate classification (germline): Uncertain significance (1 of 4 stars; one submission).

Conditions:
Inborn genetic diseases. Identifiers: MedGen C0950123, MeSH D030342.

gnomAD v4.1: 2 of 1,484,480 alleles (0.00013%); highest among the groups gnomAD compares: Non-Finnish European, 0.00018%; no homozygotes.

Submission:

Ambry Genetics
Classification: Uncertain significance for Inborn genetic diseases. Last evaluated: 2025-02-20. Review status: criteria provided, single submitter. Criteria: Ambry Variant Classification Scheme 2023. Collection method: clinical testing. Allele origin: germline.
Comment: The p.F146Y variant (also known as c.437T>A), located in coding exon 1 of the SH2B3 gene, results from a T to A substitution at nucleotide position 437. The phenylalanine at codon 146 is replaced by tyrosine, an amino acid with highly similar properties. This amino acid position is conserved. In addition, this alteration is predicted to be tolerated by in silico analysis. Based on the available evidence, the clinical significance of this variant remains unclear.

NM_005475.3(SH2B3):c.437T>A (p.Phe146Tyr)

Gene: SH2B3 (SH2B adaptor protein 3; plus strand). Cytogenetic location: 12q24.12.
Variant type: single nucleotide variant.
Coding change: c.437T>A on transcript NM_005475.3 (MANE Select); coding-DNA position 437, T replaced by A.
Protein change: p.Phe146Tyr; replaces phenylalanine 146 with tyrosine.
Molecular consequence: missense variant.
Genome position (GRCh38, 1-based): chr12:111,418,582, T>A. VCF-style: chr12-111418582-T-A. GRCh37 (hg19) VCF-style: chr12-111856386-T-A.
Other names: short protein forms F146Y.
Identifiers: ClinVar variation 3795211 (VCV003795211.1).